The following is an entry in ClinVar:

NM_005654.6(NR2F1):c.417A>T (p.Gln139His)

Genes: NR2F1 (nuclear receptor subfamily 2 group F member 1; plus strand), NR2F1-AS1 (NR2F1 antisense RNA 1; minus strand). Cytogenetic location: 5q15.
Variant type: single nucleotide variant.
Coding change: c.417A>T on transcript NM_005654.6 (MANE Select); coding-DNA position 417, A replaced by T.
Protein change: p.Gln139His; replaces glutamine 139 with histidine.
Molecular consequence: missense variant.
Genome position (GRCh38, 1-based): chr5:93,585,440, A>T. VCF-style: chr5-93585440-A-T. GRCh37 (hg19) VCF-style: chr5-92921146-A-T.
Other names: short protein forms Q139H.
Identifiers: ClinVar variation 280458 (VCV000280458.2), dbSNP rs778199728, ClinGen allele CA10602929.

ClinVar aggregate classification (germline): Pathogenic (1 of 4 stars; one submission).

Submission:

GeneDx
Classification: Pathogenic. Last evaluated: 2016-03-28. Review status: criteria provided, single submitter. Criteria: GeneDx Variant Classification (06012015). Collection method: clinical testing. Allele origin: germline. Affected: yes.
Comment: The Q139H pathogenic variant in the NR2F1 gene has not been reported previously as a pathogenic variant nor as a benign variant, to our knowledge. The Q139H variant was not observed in approximately 6500 individuals of European and African American ancestry in the NHLBI Exome Sequencing Project, indicating it is not a common benign variant in these populations. The Q139H variant is a semi-conservative amino acid substitution, which may impact secondary protein structure as these residues differ in some properties. This substitution occurs in the DNA binding domain at a position that is conserved across species. In silico analysis predicts this variant is probably damaging to the protein structure/function. We interpret Q139H as a pathogenic variant.